The following is an entry in ClinVar:

ClinVar aggregate classification (germline): Likely pathogenic (1 of 4 stars; one submission).

Conditions:
Au-Kline syndrome. Also called: Neurodevelopmental disorder-craniofacial dysmorphism-cardiac defect-hip dysplasia syndrome due to a point mutation; Okamoto syndrome. Identifiers: Orphanet 2729, Orphanet 453499, Orphanet 453504, MedGen C4225274, MONDO:0014700, OMIM 616580.

Submission:

Victorian Clinical Genetics Services, Murdoch Childrens Research Institute
Classification: Likely pathogenic for Au-Kline syndrome. Last evaluated: 2020-10-19. Review status: criteria provided, single submitter. Criteria: ACMG Guidelines, 2015. Collection method: clinical testing. Allele origin: germline. Inheritance: Autosomal dominant inheritance.
Comment: Based on the classification scheme VCGS_Germline_v1.3.4, this variant is classified as Likely pathogenic. Following criteria are met: 0102 - Loss of function is a known mechanism of disease in this gene and is associated with Au-Kline syndrome (MIM#616580). (I) 0107 - This gene is associated with autosomal dominant disease. (I) 0212 - Non-canonical splice site variant without proven consequence on splicing (no functional evidence available). This single nucleotide duplication will likely disrupt the splice motif. (SP) 0251 - This variant is heterozygous. (I) 0301 - Variant is absent from gnomAD (both v2 and v3). (SP) 0505 - Abnormal splicing is predicted by in silico tools and affected nucleotide is highly conserved. (SP) 0705 - No comparable canonical splice variants have previous evidence for pathogenicity. (I) 0807 - This variant has no previous evidence of pathogenicity. (I) 0905 - No published segregation evidence has been identified for this variant. (I) 1007 - No published functional evidence has been identified for this variant. (SP) Legend: (SP) - Supporting pathogenic, (I) - Information, (SB) - Supporting benign

NM_031263.4(HNRNPK):c.213+2dup

Gene: HNRNPK (heterogeneous nuclear ribonucleoprotein K; minus strand). Cytogenetic location: 9q21.32.
Variant type: Duplication.
Coding change: c.213+2dup on transcript NM_031263.4 (MANE Select); the canonical splice donor site of the intron after coding-DNA position 213, one base duplicated (T; older notation c.213+2dupT).
Molecular consequence: splice donor variant.
Genome position (GRCh38, 1-based): chr9:83,976,993, A duplicated on the plus strand (T on the coding strand, the reverse complement: HNRNPK is on the minus strand). VCF-style (leftmost placement, unchanged base first): chr9-83976992-T-TA. GRCh37 (hg19) VCF-style: chr9-86591907-T-TA.
Other names: c.213+2dup (NM_031262.4, NM_002140.5, NM_001318186.2 and 2 more transcripts).
Identifiers: ClinVar variation 1806157 (VCV001806157.1), dbSNP rs2492017096, ClinGen allele CA1139770358.
Genomic context (GRCh38, chr9:83,976,992, plus strand): 5'-TAAATTTCTATAGACATATAAACTGAAGCTGCTCGTGTAGTAGTTTAAACTCTTAATACT[T>TA]ACGTCTGTACGGAGAGCCTTAATATTCTTGCCTCCTTTTCCAATCACTGCCCCAGCATTC-3'